The following is an entry in ClinVar:

NM_000702.4(ATP1A2):c.*1280G>A

Gene: ATP1A2 (ATPase Na+/K+ transporting subunit alpha 2; plus strand). Cytogenetic location: 1q23.2.
Variant type: single nucleotide variant.
Coding change: c.*1280G>A on transcript NM_000702.4 (MANE Select); 1280 bases downstream of the stop codon, G replaced by A.
Molecular consequence: 3 prime UTR variant.
Genome position (GRCh38, 1-based): chr1:160,142,602, G>A. VCF-style: chr1-160142602-G-A. GRCh37 (hg19) VCF-style: chr1-160112392-G-A.
Identifiers: ClinVar variation 293168 (VCV000293168.6), dbSNP rs4656884, ClinGen allele CA10607943.

ClinVar aggregate classification (germline): Benign. Review status: criteria provided, multiple submitters, no conflicts (2 of 4 stars). 3 submissions from 2 submitters: Benign (3). Last evaluated 2018-01-13.

Conditions:
Alternating hemiplegia of childhood 1 (AHC1). Identifiers: Orphanet 2131, MedGen C3549447, MONDO:0007087, OMIM 104290.
Migraine, familial hemiplegic, 2. Identifiers: Orphanet 569, MedGen C1865322, MONDO:0011232, OMIM 602481.

Allele frequency attached by ClinVar (database versions not stated): TOPMed 0.05483; gnomAD 0.05514 and 0.05620; 1000 Genomes Project 30x 0.06824; 1000 Genomes Project 0.06949.

Submissions (3):

Illumina Laboratory Services, Illumina
Classification: Benign for Alternating hemiplegia of childhood 1. Last evaluated: 2018-01-13. Review status: criteria provided, single submitter. Criteria: ICSL Variant Classification Criteria 13 December 2019. Collection method: clinical testing. Allele origin: germline.
Comment: This variant was observed in the ICSL laboratory as part of a predisposition screen in an ostensibly healthy population. It had not been previously curated by ICSL or reported in the Human Gene Mutation Database (HGMD: prior to June 1st, 2018), and was therefore a candidate for classification through an automated scoring system. Utilizing variant allele frequency, disease prevalence and penetrance estimates, and inheritance mode, an automated score was calculated to assess if this variant is too frequent to cause the disease. Based on the score and internal cut-off values, a variant classified as benign is not then subjected to further curation. The score for this variant resulted in a classification of benign for this disease.

Illumina Laboratory Services, Illumina
Classification: Benign for Migraine, familial hemiplegic, 2. Last evaluated: 2018-01-13. Review status: criteria provided, single submitter. Criteria: ICSL Variant Classification Criteria 13 December 2019. Collection method: clinical testing. Allele origin: germline.
Comment: the same text as in the submission from Illumina Laboratory Services, Illumina above.

Breakthrough Genomics
Classification: Benign. Review status: criteria provided, single submitter. Criteria: ACMG Guidelines, 2015. Collection method: not provided. Allele origin: germline. Inheritance: Autosomal recessive inheritance. Affected: yes.